The following is an entry in ClinVar:

ClinVar aggregate classification (germline): Uncertain significance. Review status: criteria provided, multiple submitters, no conflicts (2 of 4 stars). 2 submissions from 2 submitters: Uncertain significance (2). Last evaluated 2025-03-16.

Conditions:
Inborn genetic diseases. Identifiers: MedGen C0950123, MeSH D030342.

Submissions (2):

Ambry Genetics
Classification: Uncertain significance for Inborn genetic diseases. Last evaluated: 2025-03-16. Review status: criteria provided, single submitter. Criteria: Ambry Variant Classification Scheme 2023. Collection method: clinical testing. Allele origin: germline.

Labcorp Genetics (formerly Invitae), Labcorp
Classification: Uncertain significance. Last evaluated: 2024-02-24. Review status: criteria provided, single submitter. Criteria: Invitae Variant Classification Sherloc (09022015). Collection method: clinical testing. Allele origin: germline.
Comment: This sequence change replaces histidine, which is basic and polar, with leucine, which is neutral and non-polar, at codon 1473 of the NBAS protein (p.His1473Leu). This variant is not present in population databases (gnomAD no frequency). This variant has not been reported in the literature in individuals affected with NBAS-related conditions. ClinVar contains an entry for this variant (Variation ID: 1490313). Advanced modeling of protein sequence and biophysical properties (such as structural, functional, and spatial information, amino acid conservation, physicochemical variation, residue mobility, and thermodynamic stability) performed at Invitae indicates that this missense variant is not expected to disrupt NBAS protein function with a negative predictive value of 95%. In summary, the available evidence is currently insufficient to determine the role of this variant in disease. Therefore, it has been classified as a Variant of Uncertain Significance.

NM_015909.4(NBAS):c.4418A>T (p.His1473Leu)

Gene: NBAS (NBAS subunit of NRZ tethering complex; minus strand). Cytogenetic location: 2p24.3.
Variant type: single nucleotide variant.
Coding change: c.4418A>T on transcript NM_015909.4 (MANE Select); coding-DNA position 4418, A replaced by T.
Protein change: p.His1473Leu; replaces histidine 1473 with leucine.
Molecular consequence: missense variant. On other transcripts: non-coding transcript variant (1).
Genome position (GRCh38, 1-based): chr2:15,328,242, T>A on the plus strand (A>T on the coding strand, the complement: NBAS is on the minus strand). VCF-style: chr2-15328242-T-A. GRCh37 (hg19) VCF-style: chr2-15468366-T-A.
Other names: c.4418A>T (NM_015909.2); short protein forms H1473L.
Identifiers: ClinVar variation 1490313 (VCV001490313.9), dbSNP rs2148225367, ClinGen allele CA345895791.